The following is an entry in ClinVar:

NM_000465.4(BARD1):c.1315G>T (p.Gly439Cys)

Gene: BARD1 (BRCA1 associated RING domain 1; minus strand). Cytogenetic location: 2q35.
Variant type: single nucleotide variant.
Coding change: c.1315G>T on transcript NM_000465.4 (MANE Select); coding-DNA position 1315, G replaced by T.
Protein change: p.Gly439Cys; replaces glycine 439 with cysteine.
Molecular consequence: missense variant. On other transcripts: non-coding transcript variant (3), intron variant (3).
Genome position (GRCh38, 1-based): chr2:214,769,312, C>A on the plus strand (G>T on the coding strand, the complement: BARD1 is on the minus strand). VCF-style: chr2-214769312-C-A. GRCh37 (hg19) VCF-style: chr2-215634036-C-A.
Other names: c.1258G>T, p.Gly420Cys (NM_001282543.2); c.159-16757G>T (NM_001282548.2); c.216-16757G>T (NM_001282545.2); c.364+22985G>T (NM_001282549.2); short protein forms G439C, G420C.
Identifiers: ClinVar variation 3988241 (VCV003988241.1).

ClinVar aggregate classification (germline): Uncertain significance (1 of 4 stars; one submission).

Conditions:
Hereditary cancer-predisposing syndrome. Also called: Tumor predisposition; Hereditary neoplastic syndrome; Neoplastic Syndromes, Hereditary; Hereditary Cancer Syndrome. Identifiers: Orphanet 140162, MedGen C0027672, MeSH D009386, MONDO:0015356.

Submission:

Ambry Genetics
Classification: Uncertain significance for Hereditary cancer-predisposing syndrome. Last evaluated: 2025-03-16. Review status: criteria provided, single submitter. Criteria: Ambry Variant Classification Scheme 2023. Collection method: clinical testing. Allele origin: germline.
Comment: The p.G439C variant (also known as c.1315G>T) is located in coding exon 5 of the BARD1 gene. The glycine at codon 439 is replaced by cysteine, an amino acid with highly dissimilar properties. This change occurs in the first base pair of coding exon 5. This amino acid position is conserved. In addition, this alteration is predicted to be deleterious by in silico analysis. Based on the available evidence, the clinical significance of this variant remains unclear.